The following is an entry in ClinVar:

NC_000015.10:g.(?_43638998)_(43639062_?)dup

Gene: CATSPER2 (cation channel sperm associated 2; minus strand). Cytogenetic location: 15q15.3.
Variant type: Duplication.
Other names: NM_172095.1:c.(?_718-34)_(748_?)dup; p.Ile250ArgfsX14.
Identifiers: ClinVar variation 666798 (VCV000666798.4).

ClinVar aggregate classification (germline): Uncertain significance (1 of 4 stars; one submission).

Submission:

Laboratory for Molecular Medicine, Mass General Brigham Personalized Medicine
Classification: Uncertain significance. Last evaluated: 2018-08-10. Review status: criteria provided, single submitter. Criteria: LMM Criteria. Collection method: clinical testing. Allele origin: germline. Observed: 1 variant allele.
Comment: The c.(?_718-34)_(748_?)dup variant encompasses at least exon 7 of the CATSPER2 gene and may represent a full gene duplication; however, exact breakpoints of th is duplication could not be determined. The CATSPER2 gene is associated with aut osomal recessive male infertility. Whole gene duplications of CATSPER2 have been reported as benign or likely benign in ClinVar. In addition, 32/2504 samples wi thin the 1000 Genomes Consortium are reported to harbor a whole gene duplication , as reported in the Database of Genomic Variants (DGV variant ID: esv3636295). Therefore, a whole gene duplication is likely benign. However, exact breakpoints of this duplication could not be determined, and as such, it is uncertain wheth er it encompasses the entire gene, or whether a smaller tandem duplication that might disrupt the CATSPER2 gene is present. In summary, the clinical significanc e of this variant is uncertain.